The following is an entry in ClinVar:

ClinVar aggregate classification (germline): Uncertain significance. Review status: criteria provided, multiple submitters, no conflicts (2 of 4 stars). 2 submissions from 2 submitters: Uncertain significance (2). Last evaluated 2023-11-02.

Conditions:
Inborn genetic diseases. Identifiers: MedGen C0950123, MeSH D030342.

Allele frequency attached by ClinVar (database versions not stated): TOPMed below 0.00001; gnomAD 0.00003; gnomAD exomes 0.00012 and 0.00004; 1000 Genomes Project 30x 0.00031; ExAC 0.00009; 1000 Genomes Project 0.00040.
gnomAD v4.1: 71 of 1,613,844 alleles (0.0044%); highest among the groups gnomAD compares: South Asian, 0.068%; no homozygotes.

Submissions (2):

Ambry Genetics
Classification: Uncertain significance for Inborn genetic diseases. Last evaluated: 2023-11-02. Review status: criteria provided, single submitter. Criteria: Ambry Variant Classification Scheme 2023. Collection method: clinical testing. Allele origin: germline.

Labcorp Genetics (formerly Invitae), Labcorp
Classification: Uncertain significance. Last evaluated: 2022-05-14. Review status: criteria provided, single submitter. Criteria: Invitae Variant Classification Sherloc (09022015). Collection method: clinical testing. Allele origin: germline.
Comment: This sequence change replaces histidine, which is basic and polar, with arginine, which is basic and polar, at codon 1493 of the PCLO protein (p.His1493Arg). This variant is present in population databases (rs546376400, gnomAD 0.1%). This variant has not been reported in the literature in individuals affected with PCLO-related conditions. Algorithms developed to predict the effect of missense changes on protein structure and function are either unavailable or do not agree on the potential impact of this missense change (SIFT: "Tolerated"; PolyPhen-2: "Not Available"; Align-GVGD: "Class C0"). In summary, the available evidence is currently insufficient to determine the role of this variant in disease. Therefore, it has been classified as a Variant of Uncertain Significance.

NM_033026.6(PCLO):c.4478A>G (p.His1493Arg)

Gene: PCLO (piccolo presynaptic cytomatrix protein; minus strand). Cytogenetic location: 7q21.11.
Variant type: single nucleotide variant.
Coding change: c.4478A>G on transcript NM_033026.6 (MANE Select); coding-DNA position 4478, A replaced by G.
Protein change: p.His1493Arg; replaces histidine 1493 with arginine.
Molecular consequence: missense variant.
Genome position (GRCh38, 1-based): chr7:82,956,475, T>C on the plus strand (A>G on the coding strand, the complement: PCLO is on the minus strand). VCF-style: chr7-82956475-T-C. GRCh37 (hg19) VCF-style: chr7-82585791-T-C.
Other names: c.4478A>G, p.His1493Arg (NM_014510.3); c.4478A>G (NM_033026.5); short protein forms H1493R.
Identifiers: ClinVar variation 1440706 (VCV001440706.4), dbSNP rs546376400, ClinGen allele CA4320819.